The following is an entry in ClinVar:

NM_173076.3(ABCA12):c.6586C>T (p.Gln2196Ter)

Genes: ABCA12 (ATP binding cassette subfamily A member 12; minus strand), SNHG31 (small nucleolar RNA host gene 31; plus strand). Cytogenetic location: 2q35.
Variant type: single nucleotide variant.
Coding change: c.6586C>T on transcript NM_173076.3 (MANE Select); coding-DNA position 6586, C replaced by T.
Protein change: p.Gln2196Ter; replaces glutamine 2196 with a stop codon.
Molecular consequence: nonsense. On other transcripts: non-coding transcript variant (1).
Genome position (GRCh38, 1-based): chr2:214,953,915, G>A on the plus strand (C>T on the coding strand, the complement: ABCA12 is on the minus strand). VCF-style: chr2-214953915-G-A. GRCh37 (hg19) VCF-style: chr2-215818639-G-A.
Other names: c.5632C>T, p.Gln1878Ter (NM_015657.4); short protein forms Q1878*, Q2196*.
Identifiers: ClinVar variation 5038253 (VCV005038253.1).

ClinVar aggregate classification (germline): Pathogenic (1 of 4 stars; one submission).

Conditions:
Autosomal recessive congenital ichthyosis 4B (ARCI4B). Also called: HARLEQUIN ICHTHYOSIS; Ichthyosis, congenital, autosomal recessive 4B (harlequin); Harlequin Fetus; ICHTHYOSIS CONGENITA, HARLEQUIN FETUS TYPE. Identifiers: Orphanet 457, MedGen C0598226, MONDO:0009443, OMIM 242500.

Submission:

MVZ Medizinische Genetik Mainz
Classification: Pathogenic for Autosomal recessive congenital ichthyosis 4B. Last evaluated: 2022-08-05. Review status: criteria provided, single submitter. Criteria: UK Practice Guidelines For Variant Classification V4 01 2020. Collection method: clinical testing. Allele origin: germline. Inheritance: Autosomal recessive inheritance. Affected: yes. Observed: 1 variant allele.
Comment: ACMG Criteria: PVS1, PM2_SUP, PP4; Compound Heterozygote